The following is an entry in ClinVar:

NM_001844.5(COL2A1):c.25A>T (p.Thr9Ser)

Gene: COL2A1 (collagen type II alpha 1 chain; minus strand). Cytogenetic location: 12q13.11.
Variant type: single nucleotide variant.
Coding change: c.25A>T on transcript NM_001844.5 (MANE Select); coding-DNA position 25, A replaced by T.
Protein change: p.Thr9Ser; replaces threonine 9 with serine.
Molecular consequence: missense variant.
Genome position (GRCh38, 1-based): chr12:48,004,297, T>A on the plus strand (A>T on the coding strand, the complement: COL2A1 is on the minus strand). VCF-style: chr12-48004297-T-A. GRCh37 (hg19) VCF-style: chr12-48398080-T-A.
Other names: c.25A>T, p.Thr9Ser (NM_033150.3); short protein forms T9S.
Identifiers: ClinVar variation 93788 (VCV000093788.42), dbSNP rs3803183, ClinGen allele CA147293.

ClinVar aggregate classification (germline): Benign. Review status: criteria provided, multiple submitters, no conflicts (2 of 4 stars). 15 submissions from 14 submitters: Benign (11). 4 of the submissions do not count toward it. Last evaluated 2026-05-08.

Conditions:
Type 2 collagenopathy. Identifiers: Orphanet 93421, MedGen C2931073, MONDO:0022800.
Stickler syndrome type 1 (STL1). Also called: STICKLER SYNDROME, MEMBRANOUS VITREOUS TYPE; STICKLER SYNDROME, VITREOUS TYPE 1; ARTHROOPHTHALMOPATHY, HEREDITARY PROGRESSIVE; COL2A1-Related Stickler Syndrome. Identifiers: Orphanet 828, Orphanet 90653, MedGen C2020284, MONDO:0007160, OMIM 108300.

Allele frequency attached by ClinVar (database versions not stated): 1000 Genomes Project 0.68530; gnomAD 0.75667 and 0.75794; ExAC 0.77255; TOPMed 0.74272; ESP Exome Variant Server 0.78915; 1000 Genomes Project 30x 0.68395; gnomAD exomes 0.74153 and 0.81550.
gnomAD v4.1: 1,253,225 of 1,549,070 alleles (81%); highest among the groups gnomAD compares: Non-Finnish European, 84%; 511,699 homozygotes.

Submissions (15):

Women's Health and Genetics/Laboratory Corporation of America, LabCorp
Classification: Benign. Last evaluated: 2026-05-08. Review status: criteria provided, single submitter. Criteria: LabCorp Variant Classification Summary - May 2015. Collection method: clinical testing. Allele origin: germline.

Labcorp Genetics (formerly Invitae), Labcorp
Classification: Benign. Last evaluated: 2026-02-04. Review status: criteria provided, single submitter. Criteria: Invitae Variant Classification Sherloc (09022015). Collection method: clinical testing. Allele origin: germline.

ARUP Laboratories, Molecular Genetics and Genomics, ARUP Laboratories
Classification: Benign. Last evaluated: 2025-07-22. Review status: criteria provided, single submitter. Criteria: ARUP Molecular Germline Variant Investigation Process 2024. Collection method: clinical testing. Allele origin: germline.

Blueprint Genetics
Classification: Benign. Last evaluated: 2024-11-27. Review status: criteria provided, single submitter. Criteria: ACMG Guidelines, 2015. Collection method: clinical testing. Allele origin: germline.

Mayo Clinic Laboratories, Mayo Clinic
Classification: Benign. Last evaluated: 2021-04-07. Review status: criteria provided, single submitter. Criteria: ACMG Guidelines, 2015. Collection method: clinical testing. Allele origin: germline. Observed: 156 variant alleles.

Illumina Laboratory Services, Illumina
Classification: Benign for Type II Collagenopathies. Last evaluated: 2018-01-12. Review status: criteria provided, single submitter. Criteria: ICSL Variant Classification Criteria 13 December 2019. Collection method: clinical testing. Allele origin: germline.
Comment: This variant was observed in the ICSL laboratory as part of a predisposition screen in an ostensibly healthy population. It had not been previously curated by ICSL or reported in the Human Gene Mutation Database (HGMD: prior to June 1st, 2018), and was therefore a candidate for classification through an automated scoring system. Utilizing variant allele frequency, disease prevalence and penetrance estimates, and inheritance mode, an automated score was calculated to assess if this variant is too frequent to cause the disease. Based on the score and internal cut-off values, a variant classified as benign is not then subjected to further curation. The score for this variant resulted in a classification of benign for this disease.

Illumina Laboratory Services, Illumina
Classification: Benign for Stickler syndrome type 1. Last evaluated: 2018-01-12. Review status: criteria provided, single submitter. Criteria: ICSL Variant Classification Criteria 13 December 2019. Collection method: clinical testing. Allele origin: germline.
Comment: the same text as in the submission from Illumina Laboratory Services, Illumina above.

GeneDx
Classification: Benign. Last evaluated: 2017-11-03. Review status: criteria provided, single submitter. Criteria: GeneDx Variant Classification (06012015). Collection method: clinical testing. Allele origin: germline. Affected: yes.
Comment: This variant is considered likely benign or benign based on one or more of the following criteria: it is a conservative change, it occurs at a poorly conserved position in the protein, it is predicted to be benign by multiple in silico algorithms, and/or has population frequency not consistent with disease.

Eurofins Ntd Llc (ga)
Classification: Benign. Last evaluated: 2013-07-25. Review status: criteria provided, single submitter. Criteria: EGL Classification Definitions 2015. Collection method: clinical testing. Allele origin: germline. Observed: 9 variant alleles, 9 homozygotes.

Breakthrough Genomics
Classification: Benign. Review status: criteria provided, single submitter. Criteria: ACMG Guidelines, 2015. Collection method: not provided. Allele origin: germline. Inheritance: Autosomal dominant inheritance. Affected: yes.

PreventionGenetics, part of Exact Sciences
Classification: Benign. Review status: criteria provided, single submitter. Criteria: ACMG Guidelines, 2015. Collection method: clinical testing. Allele origin: germline.

Clinical Genetics DNA and cytogenetics Diagnostics Lab, Erasmus MC, Erasmus Medical Center
Classification: Benign. Review status: no assertion criteria provided. Collection method: clinical testing. Allele origin: germline. Affected: yes. Study: VKGL Data-share Consensus. Not counted in ClinVar's aggregate classification.

Diagnostic Laboratory, Department of Genetics, University Medical Center Groningen
Classification: Benign. Review status: no assertion criteria provided. Collection method: clinical testing. Allele origin: germline. Affected: yes. Study: VKGL Data-share Consensus. Not counted in ClinVar's aggregate classification.

Genome Diagnostics Laboratory, Amsterdam University Medical Center
Classification: Benign. Review status: no assertion criteria provided. Collection method: clinical testing. Allele origin: germline. Affected: yes. Study: VKGL Data-share Consensus. Not counted in ClinVar's aggregate classification.

Joint Genome Diagnostic Labs from Nijmegen and Maastricht, Radboudumc and MUMC+
Classification: Benign. Review status: no assertion criteria provided. Collection method: clinical testing. Allele origin: germline. Affected: yes. Study: VKGL Data-share Consensus. Not counted in ClinVar's aggregate classification.